The following is an entry in ClinVar:

ClinVar aggregate classification (germline): Uncertain significance. Review status: criteria provided, multiple submitters, no conflicts (2 of 4 stars). 2 submissions from 2 submitters: Uncertain significance (2). Last evaluated 2024-03-07.

Conditions:
Fanconi anemia (FA). Also called: Fanconi's anemia. Identifiers: Orphanet 84, MedGen C0015625, MeSH D005199, MONDO:0019391.
Fanconi anemia complementation group I (FANCI). Also called: FANCI-Related Fanconi Anemia. Identifiers: Orphanet 84, MedGen C1836861, MONDO:0012186, OMIM 609053.

gnomAD v4.1: 6 of 1,590,180 alleles (0.00038%); highest among the groups gnomAD compares: Non-Finnish European, 0.00043%; no homozygotes.

Submissions (2):

Fulgent Genetics
Classification: Uncertain significance for Fanconi anemia complementation group I. Last evaluated: 2024-03-07. Review status: criteria provided, single submitter. Criteria: ACMG Guidelines, 2015. Collection method: clinical testing. Allele origin: germline.

Labcorp Genetics (formerly Invitae), Labcorp
Classification: Uncertain significance for Fanconi anemia. Last evaluated: 2022-01-26. Review status: criteria provided, single submitter. Criteria: Invitae Variant Classification Sherloc (09022015). Collection method: clinical testing. Allele origin: germline.
Comment: This variant has not been reported in the literature in individuals affected with FANCI-related conditions. The frequency data for this variant in the population databases is considered unreliable, as metrics indicate poor data quality at this position in the gnomAD database. This sequence change replaces valine, which is neutral and non-polar, with isoleucine, which is neutral and non-polar, at codon 335 of the FANCI protein (p.Val335Ile). Algorithms developed to predict the effect of missense changes on protein structure and function output the following: SIFT: "Tolerated"; PolyPhen-2: "Benign"; Align-GVGD: "Class C0". The isoleucine amino acid residue is found in multiple mammalian species, which suggests that this missense change does not adversely affect protein function. In summary, the available evidence is currently insufficient to determine the role of this variant in disease. Therefore, it has been classified as a Variant of Uncertain Significance.

NM_001113378.2(FANCI):c.1003G>A (p.Val335Ile)

Gene: FANCI (FA complementation group I; plus strand). Cytogenetic location: 15q26.1.
Variant type: single nucleotide variant.
Coding change: c.1003G>A on transcript NM_001113378.2 (MANE Select); coding-DNA position 1003, G replaced by A.
Protein change: p.Val335Ile; replaces valine 335 with isoleucine.
Molecular consequence: missense variant.
Genome position (GRCh38, 1-based): chr15:89,274,195, G>A. VCF-style: chr15-89274195-G-A. GRCh37 (hg19) VCF-style: chr15-89817426-G-A.
Other names: c.724G>A, p.Val242Ile (NM_001376910.1); c.1003G>A, p.Val335Ile (NM_001376911.1, NM_018193.3); short protein forms V242I, V335I.
Identifiers: ClinVar variation 1430679 (VCV001430679.9), dbSNP rs1222471181, ClinGen allele CA393741554.